The following is an entry in ClinVar:

ClinVar aggregate classification (germline): Benign/Likely benign. Review status: criteria provided, multiple submitters, no conflicts (2 of 4 stars). 2 submissions from 2 submitters: Benign (1); Likely benign (1). Last evaluated 2026-05-06.

Conditions:
Colorectal cancer, hereditary nonpolyposis, type 7. Identifiers: Orphanet 144, MedGen C1858380, MONDO:0013725, OMIM 614385.

Allele frequency attached by ClinVar (database versions not stated): ESP Exome Variant Server 0.00008; ExAC 0.00001; 1000 Genomes Project 30x 0.00016.
gnomAD v4.1: 1 of 1,614,222 alleles (0.000062%); highest among the groups gnomAD compares: Non-Finnish European, 0.000085%; no homozygotes.

Submissions (2):

Myriad Genetics, Inc.
Classification: Benign for Colorectal cancer, hereditary nonpolyposis, type 7. Last evaluated: 2026-05-06. Review status: criteria provided, single submitter. Criteria: Myriad Autosomal Dominant, Autosomal Recessive and X-Linked Classification Criteria (2023). Collection method: clinical testing. Allele origin: unknown.
Comment: This variant is considered benign. This variant is a silent/synonymous amino acid change and it is not expected to impact splicing.

Ambry Genetics
Classification: Likely benign. Last evaluated: 2020-03-16. Review status: criteria provided, single submitter. Criteria: Ambry Variant Classification Scheme 2023. Collection method: clinical testing. Allele origin: germline.

NM_001040108.2(MLH3):c.4110T>C (p.Asp1370=)

Gene: MLH3 (mutL homolog 3; minus strand). Cytogenetic location: 14q24.3.
Variant type: single nucleotide variant.
Coding change: c.4110T>C on transcript NM_001040108.2 (MANE Select); coding-DNA position 4110, T replaced by C.
Protein change: p.Asp1370=; no amino-acid change (aspartic acid 1370 retained).
Molecular consequence: synonymous variant.
Genome position (GRCh38, 1-based): chr14:75,018,961, A>G on the plus strand (T>C on the coding strand, the complement: MLH3 is on the minus strand). VCF-style: chr14-75018961-A-G. GRCh37 (hg19) VCF-style: chr14-75485664-A-G.
Other names: c.4038T>C, p.Asp1346= (NM_014381.3).
Identifiers: ClinVar variation 1737928 (VCV001737928.3), dbSNP rs142590981, ClinGen allele CA7275219.